The following is an entry in ClinVar:

NM_004646.4(NPHS1):c.2468_2469insCA (p.Pro824fs)

Gene: NPHS1 (NPHS1 adhesion molecule, nephrin; minus strand). Cytogenetic location: 19q13.12.
Variant type: Insertion.
Coding change: c.2468_2469insCA on transcript NM_004646.4 (MANE Select); coding-DNA positions 2468 to 2469, CA inserted.
Protein change: p.Pro824fs; shifts the reading frame from proline 824.
Molecular consequence: frameshift variant.
Genome position: GRCh38 VCF-style: chr19-35842416-C-CTG. GRCh37 (hg19) VCF-style: chr19-36333318-C-CTG.
Other names: short protein forms P824fs.
Identifiers: ClinVar variation 5014010 (VCV005014010.1).
Genomic context (GRCh38, chr19:35,842,416, plus strand): 5'-TCAGGTGTTTGGGTAATACCCACATCTGACAACAAGACGGAGCAGCCGTCGTGCTGGAGG[C>CTG]GCCACCCCATTGTCCACAATGCACTGGTAAGCGCCAGCCTGGGCCAGTTTGGCATGGTGA-3'

ClinVar aggregate classification (germline): Pathogenic (1 of 4 stars; one submission).

Conditions:
Finnish congenital nephrotic syndrome (NPHS1). Also called: NEPHROTIC SYNDROME, TYPE 1. Identifiers: Orphanet 839, MedGen C0403399, MONDO:0009732, OMIM 256300.

Submission:

Myriad Genetics, Inc.
Classification: Pathogenic for Finnish congenital nephrotic syndrome. Last evaluated: 2025-01-23. Review status: criteria provided, single submitter. Criteria: Myriad Autosomal Dominant, Autosomal Recessive and X-Linked Classification Criteria (2023). Collection method: clinical testing. Allele origin: unknown.
Comment: NM_004646.3(NPHS1):c.2468_2469insCA(P824Sfs*24) is expected to be pathogenic in the context of nephrotic syndrome, NPHS1-related. This variant is predicted to lead to an abnormal or absent protein product due to the creation of a premature termination codon in NPHS1, a gene where loss-of-function variants are known to be pathogenic. Please note: this variant was assessed in the context of healthy population screening.